The following is an entry in ClinVar:

NM_015178.3(RHOBTB2):c.693A>G (p.Ala231=)

Gene: RHOBTB2 (Rho related BTB domain containing 2; plus strand). Cytogenetic location: 8p21.3.
Variant type: single nucleotide variant.
Coding change: c.693A>G on transcript NM_015178.3 (MANE Select); coding-DNA position 693, A replaced by G.
Protein change: p.Ala231=; no amino-acid change (alanine 231 retained).
Molecular consequence: synonymous variant.
Genome position (GRCh38, 1-based): chr8:23,006,938, A>G. VCF-style: chr8-23006938-A-G. GRCh37 (hg19) VCF-style: chr8-22864451-A-G.
Other names: c.759A>G, p.Ala253= (NM_001160036.2); c.714A>G, p.Ala238= (NM_001160037.2); c.693A>G, p.Ala231= (NM_001374791.1).
Identifiers: ClinVar variation 4873441 (VCV004873441.2).
Genomic context (GRCh38, chr8:23,006,938, plus strand): 5'-CCGCCACCTGCAGTTCTGGAAGTCCCACCTCCGCAATGTGCAGCGGCCTCTGCTGCAGGC[A>G]CCCTTCCTACCCCCCAAGCCACCGCCCCCGATCATCGTGGTGCCCGACCCTCCCTCCAGC-3'
Protein context (NP_055993.2, residues 221-241): LRNVQRPLLQ[Ala231=]PFLPPKPPPP

ClinVar aggregate classification (germline): Likely benign (1 of 4 stars; one submission).

Submission:

CeGaT Center for Human Genetics Tuebingen
Classification: Likely benign. Last evaluated: 2026-05-01. Review status: criteria provided, single submitter. Criteria: CeGaT Center For Human Genetics Tuebingen Variant Classification Criteria Version 2. Collection method: clinical testing. Allele origin: germline. Affected: yes. Observed: 1 variant allele.
Comment: RHOBTB2: BP4, BP7